The following is an entry in ClinVar:

ClinVar aggregate classification (germline): Conflicting classifications of pathogenicity. Review status: criteria provided, conflicting classifications (1 of 4 stars). 6 submissions from 6 submitters: Pathogenic (2); Likely pathogenic (3); Uncertain significance (1). Last evaluated 2026-01-22.

Conditions:
Medium-chain acyl-coenzyme A dehydrogenase deficiency (ACADMD). Also called: MCAD Deficiency; MCADH DEFICIENCY; Medium chain acyl-CoA dehydrogenase deficiency; MCADD; ACADM DEFICIENCY; CARNITINE DEFICIENCY SECONDARY TO MEDIUM-CHAIN ACYL-CoA DEHYDROGENASE DEFICIENCY. Identifiers: Orphanet 42, MedGen C0220710, MONDO:0008721, OMIM 201450.

Allele frequency attached by ClinVar (database versions not stated): gnomAD exomes 0.00002 and 0.00004; TOPMed 0.00002; gnomAD 0.00003; ExAC 0.00008; ESP Exome Variant Server 0.00008; 1000 Genomes Project 30x 0.00016; 1000 Genomes Project 0.00020.
gnomAD v4.1: 29 of 1,601,588 alleles (0.0018%); highest among the groups gnomAD compares: Admixed American, 0.0033%; no homozygotes.

Submissions (6):

Labcorp Genetics (formerly Invitae), Labcorp
Classification: Pathogenic for Medium-chain acyl-coenzyme A dehydrogenase deficiency. Last evaluated: 2026-01-22. Review status: criteria provided, single submitter. Criteria: Invitae Variant Classification Sherloc (09022015). Collection method: clinical testing. Allele origin: germline.
Comment: This sequence change falls in intron 5 of the ACADM gene. It does not directly change the encoded amino acid sequence of the ACADM protein. This variant is present in population databases (rs372525651, gnomAD 0.009%). This variant has been observed in individual(s) with clinical features of medium chain acyl-CoA dehydrogenase deficiency (PMID: 32793418; internal data). In at least one individual the data is consistent with being in trans (on the opposite chromosome) from a pathogenic variant. ClinVar contains an entry for this variant (Variation ID: 280949). Algorithms developed to predict the effect of sequence changes on RNA splicing suggest that this variant may disrupt the consensus splice site. For these reasons, this variant has been classified as Pathogenic.

Greenwood Genetic Center Diagnostic Laboratories, Greenwood Genetic Center
Classification: Likely pathogenic for Medium-chain acyl-coenzyme A dehydrogenase deficiency. Last evaluated: 2024-11-11. Review status: criteria provided, single submitter. Criteria: ACMG Guidelines, 2015. Collection method: clinical testing. Allele origin: germline. Affected: yes.
Comment: PS3_Moderate, PM2, PM3

Fulgent Genetics
Classification: Likely pathogenic for Medium-chain acyl-coenzyme A dehydrogenase deficiency. Last evaluated: 2024-05-22. Review status: criteria provided, single submitter. Criteria: ACMG Guidelines, 2015. Collection method: clinical testing. Allele origin: germline.

Baylor Genetics
Classification: Pathogenic for Medium-chain acyl-coenzyme A dehydrogenase deficiency. Last evaluated: 2024-03-27. Review status: criteria provided, single submitter. Criteria: ACMG Guidelines, 2015. Collection method: clinical testing. Allele origin: unknown.

Quest Diagnostics Nichols Institute San Juan Capistrano
Classification: Likely pathogenic. Last evaluated: 2024-02-14. Review status: criteria provided, single submitter. Criteria: Quest Diagnostics criteria. Collection method: clinical testing. Allele origin: unknown.
Comment: The ACADM c.388-14A>G variant has been reported in the published literature in compound heterozygous individuals with MCAD deficiencies along with other pathogenic ACADM variants (PMIDs: 20434380 (2010), 32778825 (2020), and 32793418 (2020)). A published splicing reporter assay showed that this variant results in a defective mRNA isoform by inducing aberrant splicing of ACADM intron 5 (PMDI: 32778825 (2020)). The frequency of this variant in the general population, 0.000087 (3/34428 chromosomes (Genome Aggregation Database)), is uninformative in the assessment of its pathogenicity. Analysis of this variant using software algorithms for the prediction of the effect of nucleotide changes on ACADM mRNA splicing yielded inconclusive findings. Based on the available information, this variant is classified as likely pathogenic.

Eurofins Ntd Llc (ga)
Classification: Uncertain significance. Last evaluated: 2018-08-10. Review status: criteria provided, single submitter. Criteria: EGL ClinVar v180209 classification definitions. Collection method: clinical testing. Allele origin: germline. Observed: 1 variant allele, 1 heterozygote.

Literature cited by the submitters: PubMed 32793418 (cited by Labcorp Genetics (formerly Invitae), Labcorp and Quest Diagnostics Nichols Institute San Juan Capistrano); PubMed 20434380 (cited by Quest Diagnostics Nichols Institute San Juan Capistrano); PubMed 32778825 (cited by Quest Diagnostics Nichols Institute San Juan Capistrano); PubMed 27308838 (cited by Quest Diagnostics Nichols Institute San Juan Capistrano).

NM_000016.6(ACADM):c.388-14A>G

Gene: ACADM (acyl-CoA dehydrogenase medium chain; plus strand). Cytogenetic location: 1p31.1.
Variant type: single nucleotide variant.
Coding change: c.388-14A>G on transcript NM_000016.6 (MANE Select); 14 bases into the intron before coding-DNA position 388, A replaced by G.
Molecular consequence: intron variant.
Genome position (GRCh38, 1-based): chr1:75,734,777, A>G. VCF-style: chr1-75734777-A-G. GRCh37 (hg19) VCF-style: chr1-76200462-A-G.
Other names: c.400-14A>G (NM_001127328.3); c.487-14A>G (NM_001286043.2); c.280-14A>G (NM_001286042.2); c.-100+1855A>G (NM_001286044.2); c.388-14A>G (NM_000016.5).
Identifiers: ClinVar variation 280949 (VCV000280949.14), dbSNP rs372525651, ClinGen allele CA913089.